The following is an entry in ClinVar:

NM_000038.6(APC):c.356C>T (p.Pro119Leu)

Gene: APC (APC regulator of Wnt signaling pathway; plus strand). Cytogenetic location: 5q22.2.
Variant type: single nucleotide variant.
Coding change: c.356C>T on transcript NM_000038.6 (MANE Select); coding-DNA position 356, C replaced by T.
Protein change: p.Pro119Leu; replaces proline 119 with leucine.
Molecular consequence: missense variant. On other transcripts: 5 prime UTR variant (1).
Genome position (GRCh38, 1-based): chr5:112,767,324, C>T. VCF-style: chr5-112767324-C-T. GRCh37 (hg19) VCF-style: chr5-112103021-C-T.
Other names: c.356C>T (NM_000038.5); c.356C>T, p.Pro119Leu (NM_001127510.3, NM_001354895.2, NM_001354896.2 and 2 more transcripts); c.386C>T, p.Pro129Leu (NM_001127511.3, NM_001354897.2, NM_001354902.2); c.281C>T, p.Pro94Leu (NM_001354898.2, NM_001354904.2); c.179C>T, p.Pro60Leu (NM_001354900.2, NM_001354901.2, NM_001354905.2); c.-680C>T (NM_001354906.2); short protein forms P119L, P129L, P60L, P94L.
Identifiers: ClinVar variation 1465578 (VCV001465578.9), dbSNP rs2149789216, ClinGen allele CA16022102.

ClinVar aggregate classification (germline): Uncertain significance. Review status: criteria provided, multiple submitters, no conflicts (2 of 4 stars). 2 submissions from 2 submitters: Uncertain significance (2). Last evaluated 2025-05-18.

Conditions:
Familial adenomatous polyposis 1 (FAP1). Also called: FAMILIAL ADENOMATOUS POLYPOSIS 1, ATTENUATED; POLYPOSIS, ADENOMATOUS INTESTINAL. Identifiers: MedGen C2713442, MONDO:0021056, OMIM 175100. Disease mechanism: loss of function.
Hereditary cancer-predisposing syndrome. Also called: Tumor predisposition; Hereditary neoplastic syndrome; Hereditary Cancer Syndrome; Neoplastic Syndromes, Hereditary. Identifiers: Orphanet 140162, MedGen C0027672, MeSH D009386, MONDO:0015356.

gnomAD v4.1: 1 of 1,614,086 alleles (0.000062%); highest among the groups gnomAD compares: African/African-American, 0.0013%; no homozygotes.

Submissions (2):

Ambry Genetics
Classification: Uncertain significance for Hereditary cancer-predisposing syndrome. Last evaluated: 2025-05-18. Review status: criteria provided, single submitter. Criteria: Ambry Variant Classification Scheme 2023. Collection method: clinical testing. Allele origin: germline.
Comment: The p.P119L variant (also known as c.356C>T), located in coding exon 3 of the APC gene, results from a C to T substitution at nucleotide position 356. The proline at codon 119 is replaced by leucine, an amino acid with similar properties. This amino acid position is well conserved in available vertebrate species. In addition, in silico predictors for this gene do not accurately predict pathogenicity. Missense alterations in APC are not a common cause of disease (Spier I et al. Genet Med. 2024 Feb;26(2):100992). Based on the available evidence, the clinical significance of this variant remains unclear.

Labcorp Genetics (formerly Invitae), Labcorp
Classification: Uncertain significance for Familial adenomatous polyposis 1. Last evaluated: 2021-05-13. Review status: criteria provided, single submitter. Criteria: Invitae Variant Classification Sherloc (09022015). Collection method: clinical testing. Allele origin: germline.
Comment: In summary, the available evidence is currently insufficient to determine the role of this variant in disease. Therefore, it has been classified as a Variant of Uncertain Significance. Algorithms developed to predict the effect of missense changes on protein structure and function are either unavailable or do not agree on the potential impact of this missense change (SIFT: "Deleterious"; PolyPhen-2: "Benign"; Align-GVGD: "Class C0"). This variant has not been reported in the literature in individuals with APC-related conditions. This variant is not present in population databases (ExAC no frequency). This sequence change replaces proline with leucine at codon 119 of the APC protein (p.Pro119Leu). The proline residue is highly conserved and there is a moderate physicochemical difference between proline and leucine.